The following is an entry in ClinVar:

ClinVar aggregate classification (germline): Pathogenic (1 of 4 stars; one submission).

Conditions:
Androgen resistance syndrome (AIS). Also called: ANDROGEN RECEPTOR DEFICIENCY; Androgen insensitivity syndrome; Androgen insensitivity, complete; Androgen insensitivity; DIHYDROTESTOSTERONE RECEPTOR DEFICIENCY; TESTICULAR FEMINIZATION SYNDROME. Identifiers: Orphanet 754, Orphanet 99429, MedGen C0039585, MONDO:0019154, OMIM 300068. Disease mechanism: loss of function.
Kennedy disease (SMAX1). Also called: SPINAL AND BULBAR MUSCULAR ATROPHY, X-LINKED 1; KENNEDY SPINAL AND BULBAR MUSCULAR ATROPHY; Spinal and Bulbar Muscular Atrophy. Identifiers: Orphanet 481, MedGen C1839259, MONDO:0010735, OMIM 313200.

Submission:

Labcorp Genetics (formerly Invitae), Labcorp
Classification: Pathogenic for Kennedy disease; Androgen resistance syndrome. Last evaluated: 2019-07-16. Review status: criteria provided, single submitter. Criteria: Invitae Variant Classification Sherloc (09022015). Collection method: clinical testing. Allele origin: germline.
Comment: This variant has been reported to affect AR protein function (PMID: 9576916, 12068007, 16373394). For these reasons, this variant has been classified as Pathogenic. This variant has been observed in individuals affected with partial or complete androgen insensitivity syndrome (PMID: 9576916, 16373394, 24790346, 25433660). It is also known as p.Glu709Lys and p.Glu708Lys in the literature. This variant is not present in population databases (ExAC no frequency). This sequence change replaces glutamic acid with lysine at codon 710 of the AR protein (p.Glu710Lys). The glutamic acid residue is highly conserved and there is a small physicochemical difference between glutamic acid and lysine.

Literature cited by the submitters: PubMed 9576916; PubMed 12068007; PubMed 16373394; PubMed 24790346; PubMed 25433660.

NM_000044.6(AR):c.2128G>A (p.Glu710Lys)

Gene: AR (androgen receptor; plus strand). Cytogenetic location: Xq12.
Variant type: single nucleotide variant.
Coding change: c.2128G>A on transcript NM_000044.6 (MANE Select); coding-DNA position 2128, G replaced by A.
Protein change: p.Glu710Lys; replaces glutamic acid 710 with lysine.
Molecular consequence: missense variant.
Genome position (GRCh38, 1-based): chrX:67,711,644, G>A. VCF-style: chrX-67711644-G-A. GRCh37 (hg19) VCF-style: chrX-66931486-G-A.
Other names: c.532G>A, p.Glu178Lys (NM_001011645.3); short protein forms E178K, E710K.
Identifiers: ClinVar variation 939472 (VCV000939472.9), dbSNP rs2076094436, ClinGen allele CA413423472.